The following is an entry in ClinVar:

NM_000257.4(MYH7):c.688T>C (p.Phe230Leu)

Gene: MYH7 (myosin heavy chain 7; minus strand). Cytogenetic location: 14q11.2.
Variant type: single nucleotide variant.
Coding change: c.688T>C on transcript NM_000257.4 (MANE Select); coding-DNA position 688, T replaced by C.
Protein change: p.Phe230Leu; replaces phenylalanine 230 with leucine.
Molecular consequence: missense variant.
Genome position (GRCh38, 1-based): chr14:23,431,629, A>G on the plus strand (T>C on the coding strand, the complement: MYH7 is on the minus strand). VCF-style: chr14-23431629-A-G. GRCh37 (hg19) VCF-style: chr14-23900838-A-G.
Other names: c.688T>C, p.Phe230Leu (NM_001407004.1); short protein forms F230L.
Identifiers: ClinVar variation 3636055 (VCV003636055.2).

ClinVar aggregate classification (germline): Uncertain significance (1 of 4 stars; one submission).

Conditions:
Hypertrophic cardiomyopathy. Also called: HYPERTROPHIC MYOCARDIOPATHY. Identifiers: Orphanet 217569, MedGen C0007194, MeSH D002312, MONDO:0005045, HP:0001639.

Submission:

Labcorp Genetics (formerly Invitae), Labcorp
Classification: Uncertain significance for Hypertrophic cardiomyopathy. Last evaluated: 2024-03-26. Review status: criteria provided, single submitter. Criteria: Invitae Variant Classification Sherloc (09022015). Collection method: clinical testing. Allele origin: germline.
Comment: This sequence change replaces phenylalanine, which is neutral and non-polar, with leucine, which is neutral and non-polar, at codon 230 of the MYH7 protein (p.Phe230Leu). This variant is not present in population databases (gnomAD no frequency). This variant has not been reported in the literature in individuals affected with MYH7-related conditions. Advanced modeling of protein sequence and biophysical properties (such as structural, functional, and spatial information, amino acid conservation, physicochemical variation, residue mobility, and thermodynamic stability) performed at Invitae indicates that this missense variant is expected to disrupt MYH7 protein function with a positive predictive value of 95%. In summary, the available evidence is currently insufficient to determine the role of this variant in disease. Therefore, it has been classified as a Variant of Uncertain Significance.